The following is an entry in ClinVar:

ClinVar aggregate classification (germline): Uncertain significance. Review status: criteria provided, multiple submitters, no conflicts (2 of 4 stars). 3 submissions from 3 submitters: Uncertain significance (3). Last evaluated 2026-08-14.

Conditions:
Squamous cell carcinoma. Also called: Epidermoid carcinoma. Identifiers: MedGen C0007137, MeSH D002294, MONDO:0005096, HP:0002860.
Alpha-1-antitrypsin deficiency (A1ATD). Also called: AAT deficiency; A1AT deficiency; Alpha1-Antitrypsin Deficiency. Identifiers: Orphanet 60, MedGen C0221757, MONDO:0013282, OMIM 613490.

Allele frequency attached by ClinVar (database versions not stated): ExAC 0.00001; gnomAD 0.00002; gnomAD exomes 0.00003; TOPMed 0.00003; ESP Exome Variant Server 0.00008.
gnomAD v4.1: 48 of 1,614,062 alleles (0.003%); highest among the groups gnomAD compares: African/African-American, 0.011%; no homozygotes.

Submissions (3):

Myriad Genetics, Inc.
Classification: Uncertain significance for Alpha-1-antitrypsin deficiency. Last evaluated: 2026-08-14. Review status: criteria provided, single submitter. Criteria: Myriad Autosomal Dominant, Autosomal Recessive and X-Linked Classification Criteria (2023). Collection method: clinical testing. Allele origin: unknown.
Comment: NM_000295.4(SERPINA1):c.844G>A(G282R) is a missense variant classified as a variant of uncertain significance in the context of alpha-1 antitrypsin deficiency. G282R has been observed in a case with relevant disease (PMID: 36367950). Relevant functional assessments of this variant are available in the literature (PMID: 29882371). G282R has been observed in referenced population frequency databases. In summary, there is insufficient evidence to classify NM_000295.4(SERPINA1):c.844G>A(G282R) as pathogenic or benign. Please note: this variant was assessed in the context of healthy population screening.

Women's Health and Genetics/Laboratory Corporation of America, LabCorp
Classification: Uncertain significance. Last evaluated: 2024-10-30. Review status: criteria provided, single submitter. Criteria: LabCorp Variant Classification Summary - May 2015. Collection method: clinical testing. Allele origin: germline.
Comment: Variant summary: SERPINA1 c.844G>A (p.Gly282Arg) results in a non-conservative amino acid change located in the Serpin domain (IPR023796) of the encoded protein sequence. Four of five in-silico tools predict a damaging effect of the variant on protein function. The variant allele was found at a frequency of 8e-06 in 251486 control chromosomes. The available data on variant occurrences in the general population are insufficient to allow any conclusion about variant significance. c.844G>A has been reported in the literature in individuals affected with Alpha-1-Antitrypsin Deficiency (Silva_2016, Wiesemann_2023). These report(s) do not provide unequivocal conclusions about association of the variant with Alpha-1-Antitrypsin Deficiency. To our knowledge, no experimental evidence demonstrating an impact on protein function has been reported. This variant is also known as W Springfield and p.Gly258Arg. The following publications have been ascertained in the context of this evaluation (PMID: 27296815, 36367950). ClinVar contains an entry for this variant (Variation ID: 2431084). Based on the evidence outlined above, the variant was classified as uncertain significance.

Liquid Biopsy and Cancer Interception Group, Pfizer-University of Granada-Junta de Andalucía Centre for Genomics and Oncological Research
Classification: Uncertain significance for Squamous cell carcinoma. Last evaluated: 2022-06-06. Review status: criteria provided, single submitter. Criteria: AMP Guidelines, 2017. Collection method: research. Allele origin: somatic. Affected: yes. Observed: 1 variant allele.

Literature cited by the submitters: PubMed 29882371 (cited by Myriad Genetics, Inc.); PubMed 36367950 (cited by Myriad Genetics, Inc. and Women's Health and Genetics/Laboratory Corporation of America, LabCorp); PubMed 27296815 (cited by Women's Health and Genetics/Laboratory Corporation of America, LabCorp).

NM_000295.5(SERPINA1):c.844G>A (p.Gly282Arg)

Gene: SERPINA1 (serpin family A member 1; minus strand). Cytogenetic location: 14q32.13.
Variant type: single nucleotide variant.
Coding change: c.844G>A on transcript NM_000295.5 (MANE Select); coding-DNA position 844, G replaced by A.
Protein change: p.Gly282Arg; replaces glycine 282 with arginine.
Molecular consequence: missense variant.
Genome position (GRCh38, 1-based): chr14:94,380,944, C>T on the plus strand (G>A on the coding strand, the complement: SERPINA1 is on the minus strand). VCF-style: chr14-94380944-C-T. GRCh37 (hg19) VCF-style: chr14-94847281-C-T.
Other names: c.844G>A, p.Gly282Arg (NM_001002235.3, NM_001002236.3, NM_001127700.2 and 7 more transcripts); short protein forms G282R.
Identifiers: ClinVar variation 2431084 (VCV002431084.3), dbSNP rs370923940, ClinGen allele CA7327394.